The following is an entry in ClinVar:

NM_001023570.4(IQCB1):c.1487G>A (p.Gly496Asp)

Gene: IQCB1 (IQ motif containing B1; minus strand). Cytogenetic location: 3q13.33.
Variant type: single nucleotide variant.
Coding change: c.1487G>A on transcript NM_001023570.4 (MANE Select); coding-DNA position 1487, G replaced by A.
Protein change: p.Gly496Asp; replaces glycine 496 with aspartic acid.
Molecular consequence: missense variant. On other transcripts: non-coding transcript variant (1).
Genome position (GRCh38, 1-based): chr3:121,772,637, C>T on the plus strand (G>A on the coding strand, the complement: IQCB1 is on the minus strand). VCF-style: chr3-121772637-C-T. GRCh37 (hg19) VCF-style: chr3-121491484-C-T.
Other names: c.1088G>A, p.Gly363Asp (NM_001023571.4); c.1487G>A, p.Gly496Asp (NM_001319107.2); short protein forms G496D, G363D.
Identifiers: ClinVar variation 2068570 (VCV002068570.5), dbSNP rs767290661, ClinGen allele CA2567082.

ClinVar aggregate classification (germline): Uncertain significance. Review status: criteria provided, multiple submitters, no conflicts (2 of 4 stars). 2 submissions from 2 submitters: Uncertain significance (2). Last evaluated 2023-07-07.

Conditions:
Nephronophthisis. Also called: Juvenile Nephronophthisis. Identifiers: Orphanet 655, MedGen C0687120, MONDO:0019005, HP:0000090.
Senior-Loken syndrome 5 (SLSN5). Identifiers: Orphanet 3156, MedGen C1836517, MONDO:0012225, OMIM 609254.

Allele frequency attached by ClinVar (database versions not stated): gnomAD 0.00001; ExAC 0.00003.
gnomAD v4.1: 15 of 1,614,054 alleles (0.00093%); highest among the groups gnomAD compares: Non-Finnish European, 0.0011%; no homozygotes.

Submissions (2):

Labcorp Genetics (formerly Invitae), Labcorp
Classification: Uncertain significance for Nephronophthisis. Last evaluated: 2023-07-07. Review status: criteria provided, single submitter. Criteria: Invitae Variant Classification Sherloc (09022015). Collection method: clinical testing. Allele origin: germline.
Comment: ClinVar contains an entry for this variant (Variation ID: 2068570). This sequence change replaces glycine, which is neutral and non-polar, with aspartic acid, which is acidic and polar, at codon 496 of the IQCB1 protein (p.Gly496Asp). This variant is present in population databases (rs767290661, gnomAD 0.003%). This variant has not been reported in the literature in individuals affected with IQCB1-related conditions. Advanced modeling of protein sequence and biophysical properties (such as structural, functional, and spatial information, amino acid conservation, physicochemical variation, residue mobility, and thermodynamic stability) performed at Invitae indicates that this missense variant is not expected to disrupt IQCB1 protein function. In summary, the available evidence is currently insufficient to determine the role of this variant in disease. Therefore, it has been classified as a Variant of Uncertain Significance.

Department of Pathology and Laboratory Medicine, Sinai Health System
Classification: Uncertain significance for Senior-Loken syndrome 5. Last evaluated: 2020-04-30. Review status: criteria provided, single submitter. Criteria: ACMG Guidelines, 2015. Collection method: research. Allele origin: germline.